The following is an entry in ClinVar:

ClinVar aggregate classification (germline): Uncertain significance (1 of 4 stars; one submission).

Submission:

CeGaT Center for Human Genetics Tuebingen
Classification: Uncertain significance. Last evaluated: 2026-01-01. Review status: criteria provided, single submitter. Criteria: CeGaT Center For Human Genetics Tuebingen Variant Classification Criteria Version 2. Collection method: clinical testing. Allele origin: germline. Affected: yes. Observed: 1 variant allele.
Comment: PUM1: PP3

NM_001020658.2(PUM1):c.3175G>A (p.Asp1059Asn)

Gene: PUM1 (pumilio RNA binding family member 1; minus strand). Cytogenetic location: 1p35.2.
Variant type: single nucleotide variant.
Coding change: c.3175G>A on transcript NM_001020658.2 (MANE Select); coding-DNA position 3175, G replaced by A.
Protein change: p.Asp1059Asn; replaces aspartic acid 1059 with asparagine.
Molecular consequence: missense variant.
Genome position (GRCh38, 1-based): chr1:30,941,218, C>T on the plus strand (G>A on the coding strand, the complement: PUM1 is on the minus strand). VCF-style: chr1-30941218-C-T. GRCh37 (hg19) VCF-style: chr1-31414065-C-T.
Other names: c.3169G>A, p.Asp1057Asn (NM_014676.3); short protein forms D1057N, D1059N.
Identifiers: ClinVar variation 4822974 (VCV004822974.4).